The following is an entry in ClinVar:

ClinVar aggregate classification (germline): Uncertain significance (1 of 4 stars; one submission).

Conditions:
Familial adenomatous polyposis 1 (FAP1). Also called: FAMILIAL ADENOMATOUS POLYPOSIS 1, ATTENUATED; POLYPOSIS, ADENOMATOUS INTESTINAL. Identifiers: MedGen C2713442, MONDO:0021056, OMIM 175100. Disease mechanism: loss of function.

Submission:

Labcorp Genetics (formerly Invitae), Labcorp
Classification: Uncertain significance for Familial adenomatous polyposis 1. Last evaluated: 2021-12-14. Review status: criteria provided, single submitter. Criteria: Invitae Variant Classification Sherloc (09022015). Collection method: clinical testing. Allele origin: germline.
Comment: This variant occurs in a non-coding region of the APC gene. It does not change the encoded amino acid sequence of the APC protein. This variant is not present in population databases (gnomAD no frequency). This variant has not been reported in the literature in individuals affected with APC-related conditions. Experimental studies and prediction algorithms are not available or were not evaluated, and the functional significance of this variant is currently unknown. In summary, the available evidence is currently insufficient to determine the role of this variant in disease. Therefore, it has been classified as a Variant of Uncertain Significance.

NC_000005.10:g.112707400G>C

Gene: APC (APC regulator of Wnt signaling pathway; plus strand). Cytogenetic location: 5q22.2.
Variant type: single nucleotide variant.
Genome position: GRCh38 VCF-style: chr5-112707400-G-C. GRCh37 (hg19) VCF-style: chr5-112043097-G-C.
Identifiers: ClinVar variation 1396020 (VCV001396020.6), dbSNP rs1750555732, ClinGen allele CA2573138750.